The following is an entry in ClinVar:

NM_000303.3(PMM2):c.43G>A (p.Gly15Arg)

Gene: PMM2 (phosphomannomutase 2; plus strand). Cytogenetic location: 16p13.2.
Variant type: single nucleotide variant.
Coding change: c.43G>A on transcript NM_000303.3 (MANE Select); coding-DNA position 43, G replaced by A.
Protein change: p.Gly15Arg; replaces glycine 15 with arginine.
Molecular consequence: missense variant.
Genome position (GRCh38, 1-based): chr16:8,797,925, G>A. VCF-style: chr16-8797925-G-A. GRCh37 (hg19) VCF-style: chr16-8891782-G-A.
Other names: short protein forms G15R.
Identifiers: ClinVar variation 557455 (VCV000557455.26), dbSNP rs767831048, ClinGen allele CA7893855.

ClinVar aggregate classification (germline): Pathogenic/Likely pathogenic. Review status: criteria provided, multiple submitters, no conflicts (2 of 4 stars). 8 submissions from 8 submitters: Pathogenic (5); Likely pathogenic (1). 2 of the submissions do not count toward it. Last evaluated 2025-10-28.

Conditions:
PMM2-congenital disorder of glycosylation. Also called: JAEKEN SYNDROME; Congenital disorder of glycosylation, type Ia; PHOSPHOMANNOMUTASE 2 DEFICIENCY; CARBOHYDRATE-DEFICIENT GLYCOPROTEIN SYNDROME, TYPE Ia; CDG Ia; PMM2-CDG. Identifiers: Orphanet 79318, MedGen C0349653, MONDO:0008907, OMIM 212065.

Allele frequency attached by ClinVar (database versions not stated): gnomAD exomes below 0.00001 and 0.00001; ExAC 0.00001; gnomAD 0.00001; TOPMed 0.00003.
gnomAD v4.1: 5 of 1,609,748 alleles (0.00031%); highest among the groups gnomAD compares: African/African-American, 0.0067%; no homozygotes.

Submissions (8):

GeneDx
Classification: Pathogenic. Last evaluated: 2025-10-28. Review status: criteria provided, single submitter. Criteria: GeneDx Variant Classification Process June 2021. Collection method: clinical testing. Allele origin: germline. Affected: yes.
Comment: In silico analysis supports that this missense variant has a deleterious effect on protein structure/function; Not observed at significant frequency in large population cohorts (gnomAD); This variant is associated with the following publications: (PMID: 15520415, 28454995, 33101984)

Natera, Inc.
Classification: Pathogenic for Congenital disorder of glycosylation type 1a. Last evaluated: 2025-03-21. Review status: criteria provided, single submitter. Criteria: Natera Variant Classification Schema (03/2026). Collection method: clinical testing. Allele origin: germline.
Comment: The c.43G>A variant in PMM2 is a missense variant predicted to cause substitution of glycine to arginine at amino acid 15. This variant is rare in the general population with a frequency below the threshold expected for the associated phenotype(s). This variant has been observed in one or more individuals affected with the associated recessive disease, as either homozygous or compound heterozygous with a second variant (PMID: 34440401, 35281664). Given the available evidence, this variant is classified as Pathogenic.

Labcorp Genetics (formerly Invitae), Labcorp
Classification: Pathogenic for PMM2-congenital disorder of glycosylation. Last evaluated: 2025-02-27. Review status: criteria provided, single submitter. Criteria: Invitae Variant Classification Sherloc (09022015). Collection method: clinical testing. Allele origin: germline.
Comment: This sequence change replaces glycine, which is neutral and non-polar, with arginine, which is basic and polar, at codon 15 of the PMM2 protein (p.Gly15Arg). The frequency data for this variant in the population databases is considered unreliable, as metrics indicate poor data quality at this position in the gnomAD database. This missense change has been observed in individual(s) with congenital disorder of glycosylation type 1a (PMID: 28454995; internal data). In at least one individual the data is consistent with being in trans (on the opposite chromosome) from a pathogenic variant. ClinVar contains an entry for this variant (Variation ID: 557455). Invitae Evidence Modeling of protein sequence and biophysical properties (such as structural, functional, and spatial information, amino acid conservation, physicochemical variation, residue mobility, and thermodynamic stability) indicates that this missense variant is expected to disrupt PMM2 protein function with a positive predictive value of 95%. This variant disrupts the p.Gly15 amino acid residue in PMM2. Other variant(s) that disrupt this residue have been determined to be pathogenic (PMID: 12626389; internal data). This suggests that this residue is clinically significant, and that variants that disrupt this residue are likely to be disease-causing. For these reasons, this variant has been classified as Pathogenic.

Fulgent Genetics
Classification: Likely pathogenic for PMM2-congenital disorder of glycosylation. Last evaluated: 2024-03-14. Review status: criteria provided, single submitter. Criteria: ACMG Guidelines, 2015. Collection method: clinical testing. Allele origin: germline.

Johns Hopkins Genomics, Johns Hopkins University
Classification: Pathogenic for PMM2-congenital disorder of glycosylation. Last evaluated: 2023-07-20. Review status: criteria provided, single submitter. Criteria: ACMG Guidelines, 2015. Collection method: clinical testing. Allele origin: germline.
Comment: This PMM2 variant (rs767831048) is rare (<0.1%) in a large population dataset (gnomAD: 3/268534 total alleles; 0.0011%; no homozygotes) and has been reported in ClinVar. This variant has been observed in individuals with PMM2-CMG; different nucleotide changes affecting the same amino acid have also been reported. Of two bioinformatics tools queried, one predicts that the substitution would be damaging, while the other predicts that it would be tolerated. The glycine residue at this position is strongly conserved across the vertebrate species assessed. Bioinformatic analysis predicts that this missense variant would not affect normal exon 1 splicing, although this has not been confirmed experimentally to our knowledge. We consider c.43G>A (p.Gly15Arg) to be pathogenic for PMM2-CDG.

Women's Health and Genetics/Laboratory Corporation of America, LabCorp
Classification: Pathogenic for PMM2-congenital disorder of glycosylation. Last evaluated: 2023-03-06. Review status: criteria provided, single submitter. Criteria: LabCorp Variant Classification Summary - May 2015. Collection method: clinical testing. Allele origin: germline.
Comment: Variant summary: PMM2 c.43G>A (p.Gly15Arg) results in a non-conservative amino acid change in the encoded protein sequence. Three of five in-silico tools predict a damaging effect of the variant on protein function. The variant allele was found at a frequency of 8.4e-06 in 237144 control chromosomes (gnomAD). c.43G>A has been reported in the literature in individuals affected with Congenital Disorder Of Glycosylation (example: Schollen_2004, Alfares_2017, and Silver_2021). Different nucleotide changes affecting the same amino acid (c.44G>C p.G15A, c.43G>C p.G15R, c.44G>A p.G15E) is associated with Congenital disorder of glycosylation 1a in HGMD. This suggests that this residue is critical for the normal protein function. Four clinical diagnostic laboratories have submitted clinical-significance assessments for this variant to ClinVar after 2014 and classified the variant as VUS (n=1), pathogenic (n=2) and likely pathogenic (n=1). Based on the evidence outlined above, the variant was classified as pathogenic.

Biochemical Molecular Genetic Laboratory, King Abdulaziz Medical City
Classification: Likely pathogenic for PMM2-congenital disorder of glycosylation. Last evaluated: 2019-09-26. Review status: no assertion criteria provided. Collection method: clinical testing. Allele origin: germline. Affected: yes. Not counted in ClinVar's aggregate classification.

Counsyl
Classification: Uncertain significance for PMM2-congenital disorder of glycosylation. Last evaluated: 2018-03-26. Review status: no assertion criteria provided. Collection method: clinical testing. Allele origin: unknown. Not counted in ClinVar's aggregate classification.

Literature cited by the submitters: PubMed 34440401 (cited by 3 submitters); PubMed 35281664 (cited by Natera, Inc. and Johns Hopkins Genomics, Johns Hopkins University); PubMed 28454995 (cited by 4 submitters); PubMed 12626389 (cited by Labcorp Genetics (formerly Invitae), Labcorp and Johns Hopkins Genomics, Johns Hopkins University); PubMed 15520415 (cited by 3 submitters); PubMed 34859900 (cited by Johns Hopkins Genomics, Johns Hopkins University); PubMed 33101984 (cited by Women's Health and Genetics/Laboratory Corporation of America, LabCorp).